The following is an entry in ClinVar:

NM_014608.6(CYFIP1):c.1287C>G (p.Pro429=)

Gene: CYFIP1 (cytoplasmic FMR1 interacting protein 1; minus strand). Cytogenetic location: 15q11.2.
Variant type: single nucleotide variant.
Coding change: c.1287C>G on transcript NM_014608.6 (MANE Select); coding-DNA position 1287, C replaced by G.
Protein change: p.Pro429=; no amino-acid change (proline 429 retained).
Molecular consequence: synonymous variant. On other transcripts: 5 prime UTR variant (1).
Genome position (GRCh38, 1-based): chr15:22,926,054, G>C on the plus strand (C>G on the coding strand, the complement: CYFIP1 is on the minus strand). VCF-style: chr15-22926054-G-C. GRCh37 (hg19) VCF-style: chr15-22947014-C-G.
Other names: c.1287C>G, p.Pro429= (NM_001287810.4, NM_001324120.2, NM_001324123.3); c.1389C>G, p.Pro463= (NM_001324119.2); c.-542C>G (NM_001324122.3); c.1197C>G, p.Pro399= (NM_001324124.3); c.921C>G, p.Pro307= (NM_001324125.3); c.1185C>G, p.Pro395= (NM_001324126.3).
Identifiers: ClinVar variation 2644946 (VCV002644946.24), dbSNP rs145632449, ClinGen allele CA488528921.

ClinVar aggregate classification (germline): Likely benign (1 of 4 stars; one submission).

Submission:

CeGaT Center for Human Genetics Tuebingen
Classification: Likely benign. Last evaluated: 2022-09-01. Review status: criteria provided, single submitter. Criteria: CeGaT Center For Human Genetics Tuebingen Variant Classification Criteria Version 2. Collection method: clinical testing. Allele origin: germline. Affected: yes. Observed: 1 variant allele.
Comment: CYFIP1: PM2:Supporting, BP4, BP7